The following is an entry in ClinVar:

ClinVar aggregate classification (germline): Pathogenic (1 of 4 stars; one submission).

Conditions:
Dilated cardiomyopathy 1O (CMD1O). Also called: CARDIOMYOPATHY, DILATED, WITH VENTRICULAR TACHYCARDIA. Identifiers: Orphanet 154, MedGen C1837839, MONDO:0012062, OMIM 608569.

Submission:

Labcorp Genetics (formerly Invitae), Labcorp
Classification: Pathogenic for Dilated cardiomyopathy 1O. Last evaluated: 2024-10-01. Review status: criteria provided, single submitter. Criteria: Invitae Variant Classification Sherloc (09022015). Collection method: clinical testing. Allele origin: germline.
Comment: This sequence change affects a donor splice site in intron 8 of the ABCC9 gene. RNA analysis indicates that disruption of this splice site induces altered splicing and likely results in a shortened protein product. This variant is not present in population databases (gnomAD no frequency). Disruption of this splice site has been observed in individual(s) with autosomal recessive intellectual disability and myopathy syndrome (PMID: 31575858). It has also been observed to segregate with disease in related individuals. ClinVar contains an entry for this variant (Variation ID: 2018281). Studies have shown that disruption of this splice site results in skipping of exon 8, but is expected to preserve the integrity of the reading-frame (PMID: 31575858). For these reasons, this variant has been classified as Pathogenic.

Literature cited by the submitters: PubMed 31575858.

NM_020297.4(ABCC9):c.1320+2T>G

Gene: ABCC9 (ATP binding cassette subfamily C member 9; minus strand). Cytogenetic location: 12p12.1.
Variant type: single nucleotide variant.
Coding change: c.1320+2T>G on transcript NM_020297.4 (MANE Select); the canonical splice donor site of the intron after coding-DNA position 1320, T replaced by G.
Molecular consequence: splice donor variant.
Genome position (GRCh38, 1-based): chr12:21,910,155, A>C on the plus strand (T>G on the coding strand, the complement: ABCC9 is on the minus strand). VCF-style: chr12-21910155-A-C. GRCh37 (hg19) VCF-style: chr12-22063089-A-C.
Other names: c.456+2T>G (NM_001377274.1); c.1320+2T>G (NM_005691.4, NM_001377273.1).
Identifiers: ClinVar variation 2018281 (VCV002018281.4), dbSNP rs2541667090, ClinGen allele CA384117536.